The following is an entry in ClinVar:

ClinVar aggregate classification (germline): Likely benign. Review status: criteria provided, multiple submitters, no conflicts (2 of 4 stars). 2 submissions from 2 submitters: Likely benign (2). Last evaluated 2025-08-04.

Allele frequency attached by ClinVar (database versions not stated): ESP Exome Variant Server 0.00092; gnomAD 0.00104; TOPMed 0.00124; ExAC 0.00129; 1000 Genomes Project 30x 0.00219; 1000 Genomes Project 0.00220.
gnomAD v4.1: 2,056 of 1,614,102 alleles (0.13%); highest among the groups gnomAD compares: Middle Eastern, 1.3%; 13 homozygotes.

Submissions (2):

Ambry Genetics
Classification: Likely benign. Last evaluated: 2025-08-04. Review status: criteria provided, single submitter. Criteria: Ambry Variant Classification Scheme 2023. Collection method: clinical testing. Allele origin: germline.

CeGaT Center for Human Genetics Tuebingen
Classification: Likely benign. Last evaluated: 2024-04-01. Review status: criteria provided, single submitter. Criteria: CeGaT Center For Human Genetics Tuebingen Variant Classification Criteria Version 2. Collection method: clinical testing. Allele origin: germline. Affected: yes. Observed: 1 variant allele.
Comment: COBL: BP4

NM_015198.5(COBL):c.1600G>A (p.Gly534Ser)

Gene: COBL (cordon-bleu WH2 repeat protein; minus strand). Cytogenetic location: 7p12.1.
Variant type: single nucleotide variant.
Coding change: c.1600G>A on transcript NM_015198.5 (MANE Select); coding-DNA position 1600, G replaced by A.
Protein change: p.Gly534Ser; replaces glycine 534 with serine.
Molecular consequence: missense variant.
Genome position (GRCh38, 1-based): chr7:51,029,496, C>T on the plus strand (G>A on the coding strand, the complement: COBL is on the minus strand). VCF-style: chr7-51029496-C-T. GRCh37 (hg19) VCF-style: chr7-51097193-C-T.
Other names: c.1771G>A, p.Gly591Ser (NM_001287436.3, NM_001346441.2); c.1600G>A, p.Gly534Ser (NM_001346442.2, NM_001346443.2); c.1846G>A, p.Gly616Ser (NM_001410881.1); c.1600G>A (NM_015198.3); short protein forms G534S, G591S, G616S.
Identifiers: ClinVar variation 3234157 (VCV003234157.21), dbSNP rs146340138, ClinGen allele CA4263734.